The following is an entry in ClinVar:

ClinVar aggregate classification (germline): Pathogenic (1 of 4 stars; one submission).

Submission:

GeneDx
Classification: Pathogenic. Last evaluated: 2019-05-01. Review status: criteria provided, single submitter. Criteria: GeneDx Variant Classification (06012015). Collection method: clinical testing. Allele origin: germline. Affected: yes.
Comment: The c.76209delG pathogenic variant in the TTN gene has not been published as pathogenic or benign to our knowledge. The c.76209delG variant causes a shift in reading frame starting at codon glutamine 25403, changing it to a histidine, and creating a premature stop codon at position 38 of the new reading frame, denoted p.Gln25403HisfsX38. This pathogenic variant is expected to result in either an abnormal, truncated protein product or loss of protein from this allele through nonsense-mediated mRNA decay. Other truncating TTN variants have been reported in approximately 3% of control alleles (Herman et al., 2012). However, c.76209delG is located in the A-band region of titin, where the majority of truncating pathogenic variants associated with DCM have been reported (Herman et al., 2012). Moreover, the c.76209delGvariant has not been observed in large population cohorts (Lek et al., 2016).

NM_001267550.2(TTN):c.81132del (p.Gln27044fs)

Genes: TTN-AS1 (TTN antisense RNA 1; plus strand), TTN (titin; minus strand). Cytogenetic location: 2q31.2.
Variant type: Deletion.
Coding change: c.81132del on transcript NM_001267550.2 (MANE Select); coding-DNA position 81132, one base deleted (G; older notation c.81132delG).
Protein change: p.Gln27044fs; shifts the reading frame from glutamine 27044.
Molecular consequence: frameshift variant.
Genome position (GRCh38, 1-based): chr2:178,565,000, C deleted on the plus strand (G on the coding strand, the reverse complement: TTN is on the minus strand). VCF-style (leftmost placement, unchanged base first): chr2-178564999-AC-A. GRCh37 (hg19) VCF-style: chr2-179429726-AC-A.
Other names: c.76209del, p.Gln25403fs (NM_001256850.1); c.53937del, p.Gln17979fs (NM_003319.4); c.73428del, p.Gln24476fs (NM_133378.4); c.54312del, p.Gln18104fs (NM_133432.3); c.54513del, p.Gln18171fs (NM_133437.4); c.76209delG (NM_001256850.1); short protein forms Q24476fs, Q18171fs, Q25403fs, Q18104fs, Q17979fs, Q27044fs.
Identifiers: ClinVar variation 817125 (VCV000817125.1), dbSNP rs1575665426, ClinGen allele CA915942233.